The following is an entry in ClinVar:

ClinVar aggregate classification (germline): Likely benign. Review status: criteria provided, multiple submitters, no conflicts (2 of 4 stars). 2 submissions from 2 submitters: Likely benign (2). Last evaluated 2024-11-07.

Allele frequency attached by ClinVar (database versions not stated): gnomAD exomes 0.00001; ExAC 0.00002; TOPMed 0.00006; gnomAD 0.00009; 1000 Genomes Project 30x 0.00031; 1000 Genomes Project 0.00040.
gnomAD v4.1: 26 of 1,613,508 alleles (0.0016%); highest among the groups gnomAD compares: African/African-American, 0.032%; no homozygotes.

Submissions (2):

Labcorp Genetics (formerly Invitae), Labcorp
Classification: Likely benign. Last evaluated: 2024-11-07. Review status: criteria provided, single submitter. Criteria: Invitae Variant Classification Sherloc (09022015). Collection method: clinical testing. Allele origin: germline.

GeneDx
Classification: Likely benign. Last evaluated: 2017-09-11. Review status: criteria provided, single submitter. Criteria: GeneDx Variant Classification (06012015). Collection method: clinical testing. Allele origin: germline. Affected: yes.
Comment: This variant is considered likely benign or benign based on one or more of the following criteria: it is a conservative change, it occurs at a poorly conserved position in the protein, it is predicted to be benign by multiple in silico algorithms, and/or has population frequency not consistent with disease.

NM_078470.6(COX15):c.750+8T>C

Gene: COX15 (cytochrome c oxidase assembly factor COX15; minus strand). Cytogenetic location: 10q24.2.
Variant type: single nucleotide variant.
Coding change: c.750+8T>C on transcript NM_078470.6 (MANE Select); 8 bases into the intron after coding-DNA position 750, T replaced by C.
Molecular consequence: intron variant.
Genome position (GRCh38, 1-based): chr10:99,723,948, A>G on the plus strand (T>C on the coding strand, the complement: COX15 is on the minus strand). VCF-style: chr10-99723948-A-G. GRCh37 (hg19) VCF-style: chr10-101483705-A-G.
Other names: c.750+8T>C (NM_001320974.2, NM_001372026.1, NM_001372028.1 and 5 more transcripts); c.213+8T>C (NM_001320976.2).
Identifiers: ClinVar variation 511626 (VCV000511626.10), dbSNP rs575425159, ClinGen allele CA5642193.